The following is an entry in ClinVar:

ClinVar aggregate classification (germline): Benign (1 of 4 stars; one submission).

Allele frequency attached by ClinVar (database versions not stated): 1000 Genomes Project 0.04233; TOPMed 0.04982; 1000 Genomes Project 30x 0.04169.
gnomAD v4.1: 7,551 of 152,174 alleles (5%); highest among the groups gnomAD compares: Middle Eastern, 16%; 241 homozygotes.

Submission:

GeneDx
Classification: Benign. Last evaluated: 2018-06-18. Review status: criteria provided, single submitter. Criteria: GeneDx Variant Classification (06012015). Collection method: clinical testing. Allele origin: germline. Affected: yes.
Comment: This variant is considered likely benign or benign based on one or more of the following criteria: it is a conservative change, it occurs at a poorly conserved position in the protein, it is predicted to be benign by multiple in silico algorithms, and/or has population frequency not consistent with disease.

NM_000512.5(GALNS):c.567-256C>G

Gene: GALNS (galactosamine (N-acetyl)-6-sulfatase; minus strand). Cytogenetic location: 16q24.3.
Variant type: single nucleotide variant.
Coding change: c.567-256C>G on transcript NM_000512.5 (MANE Select); 256 bases into the intron before coding-DNA position 567, C replaced by G.
Molecular consequence: intron variant.
Genome position (GRCh38, 1-based): chr16:88,836,523, G>C on the plus strand (C>G on the coding strand, the complement: GALNS is on the minus strand). VCF-style: chr16-88836523-G-C. GRCh37 (hg19) VCF-style: chr16-88902931-G-C.
Other names: c.12-256C>G (NM_001323543.2); c.585-256C>G (NM_001323544.2).
Identifiers: ClinVar variation 673942 (VCV000673942.1), dbSNP rs112837743, ClinGen allele CA14258013.
Genomic context (GRCh38, chr16:88,836,523, plus strand): 5'-GGGCAACATGGTGAAACTCTGTCTCTACTAAAAATACAAAAATTAGCTGGGCGTGGTGGC[G>C]CACGCCTGTAATCCCAGCTACTTGAGAGGCTGAGGCAGGAGAATTGCTTGAACCCAGGAG-3'